The following is an entry in ClinVar:

ClinVar aggregate classification (germline): Likely benign (1 of 4 stars; one submission).

Conditions:
NPC1-related disorder. Also called: NPC1-related condition.

gnomAD v4.1: 4 of 1,612,598 alleles (0.00025%); highest among the groups gnomAD compares: Non-Finnish European, 0.00034%; no homozygotes.

Submission:

PreventionGenetics, part of Exact Sciences
Classification: Likely benign for NPC1-related condition. Last evaluated: 2025-04-09. Review status: criteria provided, single submitter. Criteria: ACMG Guidelines, 2015. Collection method: clinical testing. Allele origin: germline.
Comment: This variant is classified as likely benign based on ACMG/AMP sequence variant interpretation guidelines (Richards et al. 2015 PMID: 25741868, with internal and published modifications).

NM_000271.5(NPC1):c.463+5G>A

Gene: NPC1 (NPC intracellular cholesterol transporter 1; minus strand). Cytogenetic location: 18q11.2.
Variant type: single nucleotide variant.
Coding change: c.463+5G>A on transcript NM_000271.5 (MANE Select); 5 bases into the intron after coding-DNA position 463, G replaced by A.
Molecular consequence: intron variant.
Genome position (GRCh38, 1-based): chr18:23,568,818, C>T on the plus strand (G>A on the coding strand, the complement: NPC1 is on the minus strand). VCF-style: chr18-23568818-C-T. GRCh37 (hg19) VCF-style: chr18-21148782-C-T.
Identifiers: ClinVar variation 4981987 (VCV004981987.1).